The following is an entry in ClinVar:

ClinVar aggregate classification (germline): Uncertain significance. Review status: criteria provided, multiple submitters, no conflicts (2 of 4 stars). 2 submissions from 2 submitters: Uncertain significance (2). Last evaluated 2025-02-23.

Conditions:
Myopathy, reducing body, X-linked, childhood-onset (RBMX1B). Also called: REDUCING BODY MYOPATHY, X-LINKED 1B, WITH LATE CHILDHOOD OR ADULT ONSET. Identifiers: Orphanet 97239, MedGen C4225159, MONDO:0010415, OMIM 300718.
Uruguay Faciocardiomusculoskeletal syndrome. Identifiers: MedGen C1846010, MONDO:0010292, OMIM 300280.
Myopathy, reducing body, X-linked, early-onset, severe (RBMX1A). Also called: REDUCING BODY MYOPATHY, X-LINKED 1, SEVERE, WITH INFANTILE OR EARLY CHILDHOOD ONSET. Identifiers: Orphanet 97239, MedGen C4225423, MONDO:0010414, OMIM 300717.
X-linked scapuloperoneal muscular dystrophy. Also called: SCAPULOPERONEAL MYOPATHY, FHL1-RELATED. Identifiers: Orphanet 431272, MedGen C2678061, MONDO:0010400, OMIM 300695.
X-linked myopathy with postural muscle atrophy. Also called: FHL1-Related Emery-Dreifuss Muscular Dystrophy, X-Linked. Identifiers: Orphanet 178461, MedGen C2678055, MONDO:0010401, OMIM 300696.

gnomAD v4.1: 8 of 1,209,423 alleles (0.00066%); highest among the groups gnomAD compares: South Asian, 0.014%; no homozygotes.

Submissions (2):

Labcorp Genetics (formerly Invitae), Labcorp
Classification: Uncertain significance for X-linked myopathy with postural muscle atrophy. Last evaluated: 2025-02-23. Review status: criteria provided, single submitter. Criteria: Invitae Variant Classification Sherloc (09022015). Collection method: clinical testing. Allele origin: germline.
Comment: This sequence change replaces lysine, which is basic and polar, with methionine, which is neutral and non-polar, at codon 219 of the FHL1 protein (p.Lys219Met). This variant is present in population databases (rs777445252, gnomAD 0.01%). This variant has not been reported in the literature in individuals affected with FHL1-related conditions. ClinVar contains an entry for this variant (Variation ID: 3598055). An algorithm developed to predict the effect of missense changes on protein structure and function (PolyPhen-2) suggests that this variant is likely to be disruptive. In summary, the available evidence is currently insufficient to determine the role of this variant in disease. Therefore, it has been classified as a Variant of Uncertain Significance.

Fulgent Genetics
Classification: Uncertain significance for Uruguay Faciocardiomusculoskeletal syndrome; X-linked scapuloperoneal muscular dystrophy; X-linked myopathy with postural muscle atrophy; Myopathy, reducing body, X-linked, early-onset, severe; Myopathy, reducing body, X-linked, childhood-onset. Last evaluated: 2024-05-28. Review status: criteria provided, single submitter. Criteria: ACMG Guidelines, 2015. Collection method: clinical testing. Allele origin: germline.

NM_001159699.2(FHL1):c.704A>T (p.Lys235Met)

Gene: FHL1 (four and a half LIM domains 1; plus strand). Cytogenetic location: Xq26.3.
Variant type: single nucleotide variant.
Coding change: c.704A>T on transcript NM_001159699.2 (MANE Select); coding-DNA position 704, A replaced by T.
Protein change: p.Lys235Met; replaces lysine 235 with methionine.
Molecular consequence: missense variant. On other transcripts: non-coding transcript variant (1), intron variant (2).
Genome position (GRCh38, 1-based): chrX:136,208,609, A>T. VCF-style: chrX-136208609-A-T. GRCh37 (hg19) VCF-style: chrX-135290768-A-T.
Other names: c.656A>T, p.Lys219Met (NM_001159700.2, NM_001159702.3, NM_001159704.1 and 8 more transcripts); c.743A>T, p.Lys248Met (NM_001159701.2); c.501+648A>T (NM_001159703.2); c.549+648A>T (NM_001330659.2); short protein forms K248M, K219M, K235M.
Identifiers: ClinVar variation 3598055 (VCV003598055.2).